The following is an entry in ClinVar:

ClinVar aggregate classification (germline): Likely benign. Review status: criteria provided, multiple submitters, no conflicts (2 of 4 stars). 2 submissions from 2 submitters: Likely benign (2). Last evaluated 2025-05-19.

Conditions:
PRR12-related disorder. Also called: PRR12-related condition.
Inborn genetic diseases. Identifiers: MedGen C0950123, MeSH D030342.

Allele frequency attached by ClinVar (database versions not stated): gnomAD exomes 0.00007; ExAC 0.00009; 1000 Genomes Project 30x 0.00016; gnomAD 0.00074; TOPMed 0.00086.
gnomAD v4.1: 225 of 1,535,778 alleles (0.015%); highest among the groups gnomAD compares: African/African-American, 0.22%; 1 homozygote.

Submissions (2):

PreventionGenetics, part of Exact Sciences
Classification: Likely benign for PRR12-related condition. Last evaluated: 2025-05-19. Review status: criteria provided, single submitter. Criteria: ACMG Guidelines, 2015. Collection method: clinical testing. Allele origin: germline.
Comment: This variant is classified as likely benign based on ACMG/AMP sequence variant interpretation guidelines (Richards et al. 2015 PMID: 25741868, with internal and published modifications).

Ambry Genetics
Classification: Likely benign for Inborn genetic diseases. Last evaluated: 2023-07-30. Review status: criteria provided, single submitter. Criteria: Ambry Variant Classification Scheme 2023. Collection method: clinical testing. Allele origin: germline.

NM_020719.3(PRR12):c.4502T>C (p.Leu1501Pro)

Gene: PRR12 (proline rich 12; plus strand). Cytogenetic location: 19q13.33.
Variant type: single nucleotide variant.
Coding change: c.4502T>C on transcript NM_020719.3 (MANE Select); coding-DNA position 4502, T replaced by C.
Protein change: p.Leu1501Pro; replaces leucine 1501 with proline.
Molecular consequence: missense variant.
Genome position (GRCh38, 1-based): chr19:49,601,647, T>C. VCF-style: chr19-49601647-T-C. GRCh37 (hg19) VCF-style: chr19-50104904-T-C.
Other names: c.4502T>C (NM_020719.2); short protein forms L1501P.
Identifiers: ClinVar variation 2590179 (VCV002590179.3), dbSNP rs752644991, ClinGen allele CA9578504.